The following is an entry in ClinVar:

NM_001079866.2(BCS1L):c.551G>A (p.Arg184His)

Gene: BCS1L (BCS1 ubiquinol-cytochrome c reductase complex chaperone; plus strand). Cytogenetic location: 2q35.
Variant type: single nucleotide variant.
Coding change: c.551G>A on transcript NM_001079866.2 (MANE Select); coding-DNA position 551, G replaced by A.
Protein change: p.Arg184His; replaces arginine 184 with histidine.
Molecular consequence: missense variant. On other transcripts: non-coding transcript variant (1).
Genome position (GRCh38, 1-based): chr2:218,661,849, G>A. VCF-style: chr2-218661849-G-A. GRCh37 (hg19) VCF-style: chr2-219526572-G-A.
Other names: c.551G>A, p.Arg184His (NM_001257342.2, NM_001257343.2, NM_001257344.2 and 10 more transcripts); c.191G>A, p.Arg64His (NM_001318836.2, NM_001371451.1); c.50G>A, p.Arg17His (NM_001371452.1, NM_001371453.1, NM_001371454.1 and 3 more transcripts); c.551G>A (NM_004328.4); short protein forms R17H, R184H, R64H.
Identifiers: ClinVar variation 1480327 (VCV001480327.8), dbSNP rs779504946, ClinGen allele CA2109693.
Genomic context (GRCh38, chr2:218,661,849, plus strand): 5'-GGAAGACCGTGATGTACACAGCTGTGGGCTCTGAATGGCGTCCCTTTGGCTATCCACGCC[G>A]CCGGCGACCACTGAATTCTGTGGTTCTACAACAGGGTCTGGCTGACCGAATTGTCAGAGA-3'
Protein context (NP_001073335.1, residues 174-194): SEWRPFGYPR[Arg184His]RRPLNSVVLQ

ClinVar aggregate classification (germline): Conflicting classifications of pathogenicity. Review status: criteria provided, conflicting classifications (1 of 4 stars). 3 submissions from 3 submitters: Likely pathogenic (2); Uncertain significance (1). Last evaluated 2025-12-30.

Conditions:
GRACILE syndrome (FLNMS). Also called: FELLMAN SYNDROME; FINNISH LETHAL NEONATAL METABOLIC SYNDROME. Identifiers: Orphanet 53693, MedGen C1864002, MONDO:0011308, OMIM 603358.

Allele frequency attached by ClinVar (database versions not stated): ExAC 0.00012; gnomAD exomes 0.00002 and 0.00008; TOPMed 0.00002; gnomAD 0.00003.
gnomAD v4.1: 38 of 1,614,036 alleles (0.0024%); highest among the groups gnomAD compares: Admixed American, 0.022%; no homozygotes.

Submissions (3):

Labcorp Genetics (formerly Invitae), Labcorp
Classification: Likely pathogenic. Last evaluated: 2025-12-30. Review status: criteria provided, single submitter. Criteria: Invitae Variant Classification Sherloc (09022015). Collection method: clinical testing. Allele origin: germline.
Comment: This sequence change replaces arginine, which is basic and polar, with histidine, which is basic and polar, at codon 184 of the BCS1L protein (p.Arg184His). This variant is present in population databases (rs779504946, gnomAD 0.03%). This variant has not been reported in the literature in individuals affected with BCS1L-related conditions. ClinVar contains an entry for this variant (Variation ID: 1480327). Invitae Evidence Modeling of protein sequence and biophysical properties (such as structural, functional, and spatial information, amino acid conservation, physicochemical variation, residue mobility, and thermodynamic stability) has been performed for this missense variant. However, the output from this modeling did not meet the statistical confidence thresholds required to predict the impact of this variant on BCS1L protein function. This variant disrupts the p.Arg184 amino acid residue in BCS1L. Other variant(s) that disrupt this residue have been determined to be pathogenic (PMID: 17314340, 20518024, 30582773). This suggests that this residue is clinically significant, and that variants that disrupt this residue are likely to be disease-causing. In summary, the currently available evidence indicates that the variant is pathogenic, but additional data are needed to prove that conclusively. Therefore, this variant has been classified as Likely Pathogenic.

GeneDx
Classification: Uncertain significance. Last evaluated: 2023-08-14. Review status: criteria provided, single submitter. Criteria: GeneDx Variant Classification Process June 2021. Collection method: clinical testing. Allele origin: germline. Affected: yes.
Comment: In silico analysis supports that this missense variant has a deleterious effect on protein structure/function; This variant is associated with the following publications: (PMID: Gandelman[article]2020, 17314340, 17403714, 30582773)

Kariminejad - Najmabadi Pathology & Genetics Center
Classification: Likely pathogenic for GRACILE syndrome. Review status: criteria provided, single submitter. Criteria: ACMG Guidelines, 2015. Collection method: clinical testing. Allele origin: germline. Affected: no.

Literature cited by the submitters: PubMed 17314340 (cited by Labcorp Genetics (formerly Invitae), Labcorp); PubMed 20518024 (cited by Labcorp Genetics (formerly Invitae), Labcorp); PubMed 30582773 (cited by Labcorp Genetics (formerly Invitae), Labcorp).